The following is an entry in ClinVar:

ClinVar aggregate classification (germline): Uncertain significance (1 of 4 stars; one submission).

Conditions:
Cardiovascular phenotype. Identifiers: MedGen CN230736.

gnomAD v4.1: 2 of 1,612,906 alleles (0.00012%); highest among the groups gnomAD compares: Non-Finnish European, 0.00017%; no homozygotes.

Submission:

Ambry Genetics
Classification: Uncertain significance for Cardiovascular phenotype. Last evaluated: 2024-12-09. Review status: criteria provided, single submitter. Criteria: Ambry Variant Classification Scheme 2023. Collection method: clinical testing. Allele origin: germline.
Comment: The p.V1288I variant (also known as c.3862G>A), located in coding exon 28 of the LAMA4 gene, results from a G to A substitution at nucleotide position 3862. The valine at codon 1288 is replaced by isoleucine, an amino acid with highly similar properties. This amino acid position is conserved. In addition, this alteration is predicted to be tolerated by in silico analysis. Based on the available evidence, the clinical significance of this variant remains unclear.

NM_001105206.3(LAMA4):c.3883G>A (p.Val1295Ile)

Gene: LAMA4 (laminin subunit alpha 4; minus strand). Cytogenetic location: 6q21.
Variant type: single nucleotide variant.
Coding change: c.3883G>A on transcript NM_001105206.3 (MANE Select); coding-DNA position 3883, G replaced by A.
Protein change: p.Val1295Ile; replaces valine 1295 with isoleucine.
Molecular consequence: missense variant.
Genome position (GRCh38, 1-based): chr6:112,131,053, C>T on the plus strand (G>A on the coding strand, the complement: LAMA4 is on the minus strand). VCF-style: chr6-112131053-C-T. GRCh37 (hg19) VCF-style: chr6-112452255-C-T.
Other names: c.3862G>A, p.Val1288Ile (NM_001105207.3, NM_002290.5); short protein forms V1288I, V1295I.
Identifiers: ClinVar variation 3536977 (VCV003536977.1).